The following is an entry in ClinVar:

NM_007254.4(PNKP):c.222C>T (p.Thr74=)

Gene: PNKP (polynucleotide kinase 3'-phosphatase; minus strand). Cytogenetic location: 19q13.33.
Variant type: single nucleotide variant.
Coding change: c.222C>T on transcript NM_007254.4 (MANE Select); coding-DNA position 222, C replaced by T.
Protein change: p.Thr74=; no amino-acid change (threonine 74 retained).
Molecular consequence: synonymous variant.
Genome position (GRCh38, 1-based): chr19:49,865,403, G>A on the plus strand (C>T on the coding strand, the complement: PNKP is on the minus strand). VCF-style: chr19-49865403-G-A. GRCh37 (hg19) VCF-style: chr19-50368660-G-A.
Identifiers: ClinVar variation 2650289 (VCV002650289.27), dbSNP rs778524160, ClinGen allele CA9586990.

ClinVar aggregate classification (germline): Likely benign. Review status: criteria provided, multiple submitters, no conflicts (2 of 4 stars). 2 submissions from 2 submitters: Likely benign (2). Last evaluated 2023-10-16.

Conditions:
Developmental and epileptic encephalopathy, 12 (DEE12). Identifiers: MedGen C3150988, MONDO:0013389, OMIM 613722.

Allele frequency attached by ClinVar (database versions not stated): gnomAD exomes below 0.00001; TOPMed below 0.00001; ExAC 0.00002.
gnomAD v4.1: 3 of 1,609,544 alleles (0.00019%); highest among the groups gnomAD compares: South Asian, 0.0022%; no homozygotes.

Submissions (2):

Labcorp Genetics (formerly Invitae), Labcorp
Classification: Likely benign for Developmental and epileptic encephalopathy, 12. Last evaluated: 2023-10-16. Review status: criteria provided, single submitter. Criteria: Invitae Variant Classification Sherloc (09022015). Collection method: clinical testing. Allele origin: germline.

CeGaT Center for Human Genetics Tuebingen
Classification: Likely benign. Last evaluated: 2023-04-01. Review status: criteria provided, single submitter. Criteria: CeGaT Center For Human Genetics Tuebingen Variant Classification Criteria Version 2. Collection method: clinical testing. Allele origin: germline. Affected: yes. Observed: 1 variant allele.
Comment: PNKP: BP4, BP7